The following is an entry in ClinVar:

NM_016239.4(MYO15A):c.2352G>A (p.Pro784=)

Gene: MYO15A (myosin XVA; plus strand). Cytogenetic location: 17p11.2.
Variant type: single nucleotide variant.
Coding change: c.2352G>A on transcript NM_016239.4 (MANE Select); coding-DNA position 2352, G replaced by A.
Protein change: p.Pro784=; no amino-acid change (proline 784 retained).
Molecular consequence: synonymous variant.
Genome position (GRCh38, 1-based): chr17:18,121,152, G>A. VCF-style: chr17-18121152-G-A. GRCh37 (hg19) VCF-style: chr17-18024466-G-A.
Other names: c.2352G>A (NM_016239.3).
Identifiers: ClinVar variation 2882768 (VCV002882768.4), dbSNP rs748006735, ClinGen allele CA8423253.
Genomic context (GRCh38, chr17:18,121,152, plus strand): 5'-GTCGCGGAGGCGAGCTTGGTCACCGCTGGCCTCGCCCCAGCCCTCGCTGAGGAGCTCGCC[G>A]GGCCTCGGCTACTGCTCACCCTTGGCGCCCCCGTCGCCTCAGCTGTCCTTGCGCACGGGC-3'
Protein context (NP_057323.3, residues 774-794): ASPQPSLRSS[Pro784=]GLGYCSPLAP

ClinVar aggregate classification (germline): Likely benign. Review status: criteria provided, multiple submitters, no conflicts (2 of 4 stars). 2 submissions from 2 submitters: Likely benign (2). Last evaluated 2026-01-12.

Conditions:
MYO15A-related disorder. Also called: MYO15A-related condition.

gnomAD v4.1: 4 of 1,511,976 alleles (0.00026%); highest among the groups gnomAD compares: Non-Finnish European, 0.00035%; no homozygotes.

Submissions (2):

PreventionGenetics, part of Exact Sciences
Classification: Likely benign for MYO15A-related condition. Last evaluated: 2026-01-12. Review status: criteria provided, single submitter. Criteria: ACMG Guidelines, 2015. Collection method: clinical testing. Allele origin: germline.
Comment: This variant is classified as likely benign based on ACMG/AMP sequence variant interpretation guidelines (Richards et al. 2015 PMID: 25741868, with internal and published modifications).

Labcorp Genetics (formerly Invitae), Labcorp
Classification: Likely benign. Last evaluated: 2023-10-06. Review status: criteria provided, single submitter. Criteria: Invitae Variant Classification Sherloc (09022015). Collection method: clinical testing. Allele origin: germline.